The following is an entry in ClinVar:

ClinVar aggregate classification (germline): Likely pathogenic (1 of 4 stars; one submission).

Conditions:
Junctional epidermolysis bullosa gravis of Herlitz. Also called: Herlitz-type junctional epidermolysis bullosa; Epidermolysis Bullosa Letalis; EPIDERMOLYSIS BULLOSA, JUNCTIONAL 1B, SEVERE; EPIDERMOLYSIS BULLOSA JUNCTIONALIS, HERLITZ TYPE; EPIDERMOLYSIS BULLOSA, JUNCTIONAL, HERLITZ-PEARSON TYPE; JEB-HERLITZ TYPE. Identifiers: Orphanet 79404, MedGen C0079683, MONDO:0009182, OMIM 226700.

Submission:

Myriad Genetics, Inc.
Classification: Likely pathogenic for Junctional epidermolysis bullosa gravis of Herlitz. Last evaluated: 2019-06-24. Review status: criteria provided, single submitter. Criteria: Myriad Women's Health Autosomal Recessive and X-Linked Classification Criteria (2019). Collection method: clinical testing. Allele origin: unknown.
Comment: NM_000228.2(LAMB3):c.1266C>G(Y422*) is expected to be pathogenic in the context of Herlitz junctional epidermolysis bullosa, LAMB3-related. This variant is predicted to lead to an abnormal or absent protein product due to the creation of a premature termination codon in LAMB3, a gene where loss-of-function variants are known to be pathogenic. Please note: this variant was assessed in the context of healthy population screening.

NM_000228.3(LAMB3):c.1266C>G (p.Tyr422Ter)

Gene: LAMB3 (laminin subunit beta 3; minus strand). Cytogenetic location: 1q32.2.
Variant type: single nucleotide variant.
Coding change: c.1266C>G on transcript NM_000228.3 (MANE Select); coding-DNA position 1266, C replaced by G.
Protein change: p.Tyr422Ter; replaces tyrosine 422 with a stop codon.
Molecular consequence: nonsense.
Genome position (GRCh38, 1-based): chr1:209,628,057, G>C on the plus strand (C>G on the coding strand, the complement: LAMB3 is on the minus strand). VCF-style: chr1-209628057-G-C. GRCh37 (hg19) VCF-style: chr1-209801402-G-C.
Other names: c.1266C>G, p.Tyr422Ter (NM_001017402.2, NM_001127641.1); short protein forms Y422*.
Identifiers: ClinVar variation 984100 (VCV000984100.3), dbSNP rs766227083, ClinGen allele CA344591474.